The following is an entry in ClinVar:

NM_000198.4(HSD3B2):c.549G>A (p.Ala183=)

Gene: HSD3B2 (hydroxy-delta-5-steroid dehydrogenase, 3 beta- and steroid delta-isomerase 2; plus strand). Cytogenetic location: 1p12.
Variant type: single nucleotide variant.
Coding change: c.549G>A on transcript NM_000198.4 (MANE Select); coding-DNA position 549, G replaced by A.
Protein change: p.Ala183=; no amino-acid change (alanine 183 retained).
Molecular consequence: synonymous variant.
Genome position (GRCh38, 1-based): chr1:119,422,050, G>A. VCF-style: chr1-119422050-G-A. GRCh37 (hg19) VCF-style: chr1-119964673-G-A.
Other names: c.549G>A, p.Ala183= (NM_001166120.2).
Identifiers: ClinVar variation 794002 (VCV000794002.18), dbSNP rs33932258, ClinGen allele CA1035992.

ClinVar aggregate classification (germline): Likely benign. Review status: criteria provided, multiple submitters, no conflicts (2 of 4 stars). 5 submissions from 5 submitters: Likely benign (3). 2 of the submissions do not count toward it. Last evaluated 2024-09-20.

Conditions:
HSD3B2-related disorder. Also called: HSD3B2-related condition.
3 beta-Hydroxysteroid dehydrogenase deficiency. Also called: ADRENAL HYPERPLASIA, CONGENITAL, DUE TO 3-BETA-HYDROXYSTEROID DEHYDROGENASE 2 DEFICIENCY; 3b-hydroxysteroid dehydrogenase deficiency; 3-BETA-HSD DEFICIENCY; ADRENAL HYPERPLASIA II; Congenital adrenal hyperplasia due to 3-beta-hydroxysteroid dehydrogenase deficiency. Identifiers: Orphanet 90791, MedGen C0342471, MeSH C538236, MONDO:0008727, OMIM 201810. Disease mechanism: loss of function.

Allele frequency attached by ClinVar (database versions not stated): ESP Exome Variant Server 0.00008; gnomAD 0.00008 and 0.00009; TOPMed 0.00015; gnomAD exomes 0.00016; ExAC 0.00021; 1000 Genomes Project 0.00080; 1000 Genomes Project 30x 0.00094.
gnomAD v4.1: 207 of 1,614,102 alleles (0.013%); highest among the groups gnomAD compares: Middle Eastern, 0.016%; 1 homozygote.

Submissions (5):

Blueprint Genetics
Classification: Likely benign. Last evaluated: 2024-09-20. Review status: criteria provided, single submitter. Criteria: ACMG Guidelines, 2015. Collection method: clinical testing. Allele origin: germline.

Labcorp Genetics (formerly Invitae), Labcorp
Classification: Likely benign. Last evaluated: 2024-09-02. Review status: criteria provided, single submitter. Criteria: Invitae Variant Classification Sherloc (09022015). Collection method: clinical testing. Allele origin: germline.

Genetic Services Laboratory, University of Chicago
Classification: Likely benign. Last evaluated: 2021-12-13. Review status: criteria provided, single submitter. Criteria: ACMG Guidelines, 2015. Collection method: clinical testing. Allele origin: germline. Affected: no.

Natera, Inc.
Classification: Likely benign for 3 beta hydroxysteroid dehydrogenase deficiency. Last evaluated: 2020-02-28. Review status: no assertion criteria provided. Collection method: clinical testing. Allele origin: germline. Not counted in ClinVar's aggregate classification.

PreventionGenetics, part of Exact Sciences
Classification: Likely benign for HSD3B2-related condition. Last evaluated: 2019-09-04. Review status: no assertion criteria provided. Collection method: clinical testing. Allele origin: germline. Not counted in ClinVar's aggregate classification.
Comment: This variant is classified as likely benign based on ACMG/AMP sequence variant interpretation guidelines (Richards et al. 2015 PMID: 25741868, with internal and published modifications).